The following is an entry in ClinVar:

ClinVar aggregate classification (germline): Uncertain significance. Review status: criteria provided, multiple submitters, no conflicts (2 of 4 stars). 3 submissions from 3 submitters: Uncertain significance (3). Last evaluated 2026-09-11.

Conditions:
Autosomal dominant Alport syndrome (ATS3A). Also called: Alport syndrome dominant type; Renal failure and sensorineural hearing loss; ALPORT SYNDROME 3A, AUTOSOMAL DOMINANT. Identifiers: Orphanet 63, Orphanet 88918, MedGen C5882663, MONDO:0007086, OMIM 104200.
Hematuria, benign familial, 2 (BFH2). Identifiers: MedGen C5830421, MONDO:0958186, OMIM 620320.
Alport syndrome 3b, autosomal recessive. Identifiers: MedGen C5882699, MONDO:0957811, OMIM 620536.
Inborn genetic diseases. Identifiers: MedGen C0950123, MeSH D030342.

Allele frequency attached by ClinVar (database versions not stated): TOPMed 0.00008; gnomAD 0.00004 and 0.00003; gnomAD exomes below 0.00001.
gnomAD v4.1: 7 of 1,613,756 alleles (0.00043%); highest among the groups gnomAD compares: African/African-American, 0.0093%; no homozygotes.

Submissions (3):

Ambry Genetics
Classification: Uncertain significance for Inborn genetic diseases. Last evaluated: 2026-09-11. Review status: criteria provided, single submitter. Criteria: Ambry Variant Classification Scheme 2023. Collection method: clinical testing. Allele origin: germline.

Labcorp Genetics (formerly Invitae), Labcorp
Classification: Uncertain significance. Last evaluated: 2024-12-02. Review status: criteria provided, single submitter. Criteria: Invitae Variant Classification Sherloc (09022015). Collection method: clinical testing. Allele origin: germline.
Comment: This sequence change replaces valine, which is neutral and non-polar, with isoleucine, which is neutral and non-polar, at codon 923 of the COL4A3 protein (p.Val923Ile). This variant is not present in population databases (gnomAD no frequency). This variant has not been reported in the literature in individuals affected with COL4A3-related conditions. ClinVar contains an entry for this variant (Variation ID: 1401840). Invitae Evidence Modeling of protein sequence and biophysical properties (such as structural, functional, and spatial information, amino acid conservation, physicochemical variation, residue mobility, and thermodynamic stability) indicates that this missense variant is not expected to disrupt COL4A3 protein function with a negative predictive value of 95%. In summary, the available evidence is currently insufficient to determine the role of this variant in disease. Therefore, it has been classified as a Variant of Uncertain Significance.

Fulgent Genetics
Classification: Uncertain significance for Autosomal dominant Alport syndrome; Hematuria, benign familial, 2; Alport syndrome 3b, autosomal recessive. Last evaluated: 2024-01-24. Review status: criteria provided, single submitter. Criteria: ACMG Guidelines, 2015. Collection method: clinical testing. Allele origin: germline.

NM_000091.5(COL4A3):c.2767G>A (p.Val923Ile)

Genes: COL4A3 (collagen type IV alpha 3 chain; plus strand), MFF-DT (MFF divergent transcript; minus strand). Cytogenetic location: 2q36.3.
Variant type: single nucleotide variant.
Coding change: c.2767G>A on transcript NM_000091.5 (MANE Select); coding-DNA position 2767, G replaced by A.
Protein change: p.Val923Ile; replaces valine 923 with isoleucine.
Molecular consequence: missense variant.
Genome position (GRCh38, 1-based): chr2:227,284,231, G>A. VCF-style: chr2-227284231-G-A. GRCh37 (hg19) VCF-style: chr2-228148947-G-A.
Other names: c.2767G>A (NM_000091.4); short protein forms V923I.
Identifiers: ClinVar variation 1401840 (VCV001401840.9), dbSNP rs917860017, ClinGen allele CA66601111.